The following is an entry in ClinVar:

ClinVar aggregate classification (germline): Likely benign. Review status: criteria provided, multiple submitters, no conflicts (2 of 4 stars). 2 submissions from 2 submitters: Likely benign (2). Last evaluated 2018-06-15.

Allele frequency attached by ClinVar (database versions not stated): 1000 Genomes Project 30x 0.01265; TOPMed 0.01355; gnomAD 0.01384 and 0.01425; 1000 Genomes Project 0.01398; ESP Exome Variant Server 0.01569; ExAC 0.01764; gnomAD exomes 0.01803 and 0.02060.
gnomAD v4.1: 30,911 of 1,549,398 alleles (2%); highest among the groups gnomAD compares: Middle Eastern, 3.8%; 395 homozygotes.

Submissions (2):

GeneDx
Classification: Likely benign. Last evaluated: 2018-06-15. Review status: criteria provided, single submitter. Criteria: GeneDx Variant Classification (06012015). Collection method: clinical testing. Allele origin: germline. Affected: yes.
Comment: This variant is considered likely benign or benign based on one or more of the following criteria: it is a conservative change, it occurs at a poorly conserved position in the protein, it is predicted to be benign by multiple in silico algorithms, and/or has population frequency not consistent with disease.

Breakthrough Genomics
Classification: Likely benign. Review status: criteria provided, single submitter. Criteria: ACMG Guidelines, 2015. Collection method: not provided. Allele origin: germline. Inheritance: Autosomal recessive inheritance. Affected: yes.

NM_016356.5(DCDC2):c.558-50C>A

Gene: DCDC2 (doublecortin domain containing 2; minus strand). Cytogenetic location: 6p22.3.
Variant type: single nucleotide variant.
Coding change: c.558-50C>A on transcript NM_016356.5 (MANE Select); 50 bases into the intron before coding-DNA position 558, C replaced by A.
Molecular consequence: intron variant.
Genome position (GRCh38, 1-based): chr6:24,291,128, G>T on the plus strand (C>A on the coding strand, the complement: DCDC2 is on the minus strand). VCF-style: chr6-24291128-G-T. GRCh37 (hg19) VCF-style: chr6-24291356-G-T.
Other names: c.558-50C>A (NM_001195610.2).
Identifiers: ClinVar variation 682772 (VCV000682772.2), dbSNP rs34584835, ClinGen allele CA3654723.